The following is an entry in ClinVar:

NM_176824.3(BBS7):c.442A>C (p.Asn148His)

Gene: BBS7 (Bardet-Biedl syndrome 7; minus strand). Cytogenetic location: 4q27.
Variant type: single nucleotide variant.
Coding change: c.442A>C on transcript NM_176824.3 (MANE Select); coding-DNA position 442, A replaced by C.
Protein change: p.Asn148His; replaces asparagine 148 with histidine.
Molecular consequence: missense variant.
Genome position (GRCh38, 1-based): chr4:121,859,078, T>G on the plus strand (A>C on the coding strand, the complement: BBS7 is on the minus strand). VCF-style: chr4-121859078-T-G. GRCh37 (hg19) VCF-style: chr4-122780233-T-G.
Other names: c.442A>C, p.Asn148His (NM_018190.4); short protein forms N148H.
Identifiers: ClinVar variation 1030351 (VCV001030351.15), dbSNP rs982037757, ClinGen allele CA104729859.

ClinVar aggregate classification (germline): Uncertain significance. Review status: criteria provided, multiple submitters, no conflicts (2 of 4 stars). 8 submissions from 8 submitters: Uncertain significance (8). Last evaluated 2024-10-14.

Conditions:
Bardet-Biedl syndrome (BBS). Identifiers: Orphanet 110, MedGen C0752166, MONDO:0015229.
Bardet-Biedl syndrome 7 (BBS7). Identifiers: Orphanet 110, MedGen C1859565, MONDO:0014435, OMIM 615984.
BBS7-related disorder. Also called: BBS7-related condition.

Allele frequency attached by ClinVar (database versions not stated): gnomAD exomes 0.00001; gnomAD 0.00002; TOPMed 0.00003.
gnomAD v4.1: 6 of 1,613,782 alleles (0.00037%); highest among the groups gnomAD compares: Admixed American, 0.0083%; no homozygotes.

Submissions (8):

PreventionGenetics, part of Exact Sciences
Classification: Uncertain significance for BBS7-related condition. Last evaluated: 2024-10-14. Review status: criteria provided, single submitter. Criteria: ACMG Guidelines, 2015. Collection method: clinical testing. Allele origin: germline.
Comment: The BBS7 c.442A>C variant is predicted to result in the amino acid substitution p.Asn148His. This variant has been reported along with compound heterozygous pathogenic variants in BBS1 in an individual with Bardet-Biedl syndrome (Lindstrand et al. 2016. PubMed ID: 27486776). This variant has not been reported in a large population database, indicating this variant is rare. Functional studies in zebrafish suggested that this variant is a null allele (Table S4, Lindstrand et al. 2016. PubMed ID: 27486776). At this time, the clinical significance of this variant is uncertain due to the absence of conclusive functional and genetic evidence.

Fulgent Genetics
Classification: Uncertain significance for Bardet-Biedl syndrome 7. Last evaluated: 2024-04-16. Review status: criteria provided, single submitter. Criteria: ACMG Guidelines, 2015. Collection method: clinical testing. Allele origin: germline.

Women's Health and Genetics/Laboratory Corporation of America, LabCorp
Classification: Uncertain significance. Last evaluated: 2024-01-12. Review status: criteria provided, single submitter. Criteria: LabCorp Variant Classification Summary - May 2015. Collection method: clinical testing. Allele origin: germline.
Comment: Variant summary: BBS7 c.442A>C (p.Asn148His) results in a conservative amino acid change in the encoded protein sequence. Three of five in-silico tools predict a damaging effect of the variant on protein function. The variant was absent in 251364 control chromosomes (gnomAD). The available data on variant occurrences in the general population are insufficient to allow any conclusion about variant significance. c.442A>C has been reported in the literature in an individual affected with Bardet-Biedl Syndrome, however, authors reported the causative variants in this individual was in BBS1 gene (example: Lindstrand_2016). Experimental evidence evaluating an impact on protein function in zebrafish suggests that this variant may impair normal protein function, however, does not allow convincing conclusions about the variant effect (example: Lindstrand_2016). The following publication has been ascertained in the context of this evaluation (PMID: 27486776). ClinVar contains an entry for this variant (Variation ID: 1030351). Based on the evidence outlined above, the variant was classified as uncertain significance.

GeneDx
Classification: Uncertain significance. Last evaluated: 2022-08-10. Review status: criteria provided, single submitter. Criteria: GeneDx Variant Classification Process June 2021. Collection method: clinical testing. Allele origin: germline. Affected: yes.
Comment: Observed as a single heterozygous variant in an individual with BBS in published literature who had a different genetic etiology for the phenotype (Lindstram et al., 2016); Published functional studies in zebrafish suggest this variant results in impairment of protein function, however additional studies are needed to fully validate the functional effect of this variant (Lindstrand et al., 2016); In silico analysis supports that this missense variant does not alter protein structure/function; Not observed at significant frequency in large population cohorts (gnomAD); This variant is associated with the following publications: (PMID: 27486776)

Labcorp Genetics (formerly Invitae), Labcorp
Classification: Uncertain significance for Bardet-Biedl syndrome. Last evaluated: 2022-01-08. Review status: criteria provided, single submitter. Criteria: Invitae Variant Classification Sherloc (09022015). Collection method: clinical testing. Allele origin: germline.
Comment: This sequence change replaces asparagine, which is neutral and polar, with histidine, which is basic and polar, at codon 148 of the BBS7 protein (p.Asn148His). This variant is not present in population databases (gnomAD no frequency). This missense change has been observed in individual(s) with Bardet-Biedl syndrome (PMID: 27486776). ClinVar contains an entry for this variant (Variation ID: 1030351). Algorithms developed to predict the effect of missense changes on protein structure and function are either unavailable or do not agree on the potential impact of this missense change (SIFT: "Tolerated"; PolyPhen-2: "Probably Damaging"; Align-GVGD: "Class C0"). In summary, the available evidence is currently insufficient to determine the role of this variant in disease. Therefore, it has been classified as a Variant of Uncertain Significance.

Blueprint Genetics
Classification: Uncertain significance. Last evaluated: 2020-07-21. Review status: criteria provided, single submitter. Criteria: ACMG Guidelines, 2015. Collection method: clinical testing. Allele origin: germline.

Baylor Genetics
Classification: Uncertain significance for Bardet-Biedl syndrome 7. Last evaluated: 2019-01-11. Review status: criteria provided, single submitter. Criteria: ACMG Guidelines, 2015. Collection method: clinical testing. Allele origin: unknown. Affected: yes.
Comment: This variant was determined to be of uncertain significance according to ACMG Guidelines, 2015 [PMID:25741868].

Genetic Services Laboratory, University of Chicago
Classification: Uncertain significance. Last evaluated: 2017-08-24. Review status: criteria provided, single submitter. Criteria: ACMG Guidelines, 2015. Collection method: clinical testing. Allele origin: germline. Affected: no.

Literature cited by the submitters: PubMed 27486776 (cited by Women's Health and Genetics/Laboratory Corporation of America, LabCorp and Labcorp Genetics (formerly Invitae), Labcorp).